The following is an entry in ClinVar:

NM_012250.6(RRAS2):c.314A>G (p.Tyr105Cys)

Gene: RRAS2 (RAS related 2; minus strand). Cytogenetic location: 11p15.2.
Variant type: single nucleotide variant.
Coding change: c.314A>G on transcript NM_012250.6 (MANE Select); coding-DNA position 314, A replaced by G.
Protein change: p.Tyr105Cys; replaces tyrosine 105 with cysteine.
Molecular consequence: missense variant.
Genome position (GRCh38, 1-based): chr11:14,294,565, T>C on the plus strand (A>G on the coding strand, the complement: RRAS2 is on the minus strand). VCF-style: chr11-14294565-T-C. GRCh37 (hg19) VCF-style: chr11-14316111-T-C.
Other names: c.83A>G, p.Tyr28Cys (NM_001102669.3, NM_001177315.2); c.209A>G, p.Tyr70Cys (NM_001177314.2); short protein forms Y70C, Y105C, Y28C.
Identifiers: ClinVar variation 2190912 (VCV002190912.6), dbSNP rs571234555, ClinGen allele CA5894299.

ClinVar aggregate classification (germline): Uncertain significance. Review status: criteria provided, multiple submitters, no conflicts (2 of 4 stars). 2 submissions from 2 submitters: Uncertain significance (2). Last evaluated 2023-04-20.

Conditions:
Inborn genetic diseases. Identifiers: MedGen C0950123, MeSH D030342.

Allele frequency attached by ClinVar (database versions not stated): ExAC 0.00005; gnomAD exomes 0.00006; gnomAD 0.00009; TOPMed 0.00009.
gnomAD v4.1: 99 of 1,582,256 alleles (0.0063%); highest among the groups gnomAD compares: East Asian, 0.022%; no homozygotes.

Submissions (3):

Labcorp Genetics (formerly Invitae), Labcorp
Classification: Uncertain significance. Last evaluated: 2023-04-20. Review status: criteria provided, single submitter. Criteria: Invitae Variant Classification Sherloc (09022015). Collection method: clinical testing. Allele origin: germline.
Comment: This sequence change replaces tyrosine, which is neutral and polar, with cysteine, which is neutral and slightly polar, at codon 105 of the RRAS2 protein (p.Tyr105Cys). This variant is present in population databases (rs571234555, gnomAD 0.01%). In summary, the available evidence is currently insufficient to determine the role of this variant in disease. Therefore, it has been classified as a Variant of Uncertain Significance. An algorithm developed to predict the effect of missense changes on protein structure and function (PolyPhen-2) suggests that this variant is likely to be disruptive. ClinVar contains an entry for this variant (Variation ID: 2190912). This variant has not been reported in the literature in individuals affected with RRAS2-related conditions.

Ambry Genetics
Classification: Uncertain significance for Inborn genetic diseases. Last evaluated: 2021-08-02. Review status: criteria provided, single submitter. Criteria: Ambry Variant Classification Scheme 2023. Collection method: clinical testing. Allele origin: germline.

Dr. Peter K. Rogan Lab, Western University
No classification provided (evidence only). Condition: Malignant tumor of urinary bladder. Review status: no classification provided. Collection method: in vitro. Allele origin: not applicable. Functional consequence: retained intron. Not counted in ClinVar's aggregate classification.